The following is an entry in ClinVar:

ClinVar aggregate classification (germline): Uncertain significance (1 of 4 stars; one submission).

Conditions:
PKD1L1-related disorder. Also called: PKD1L1-related condition.

gnomAD v4.1: 18 of 1,612,266 alleles (0.0011%); highest among the groups gnomAD compares: East Asian, 0.034%; no homozygotes.

Submission:

PreventionGenetics, part of Exact Sciences
Classification: Uncertain significance for PKD1L1-related condition. Last evaluated: 2025-11-13. Review status: criteria provided, single submitter. Criteria: ACMG Guidelines, 2015. Collection method: clinical testing. Allele origin: germline.
Comment: The PKD1L1 c.2228C>T variant is predicted to result in the amino acid substitution p.Pro743Leu. To our knowledge, this variant has not been reported in the literature. This variant is present in 0.011% of alleles in individuals of East Asian descent in gnomAD. Although we suspect that this variant may be pathogenic, at this time, the clinical significance of this variant is uncertain due to the absence of conclusive functional and genetic evidence.

NM_138295.5(PKD1L1):c.2228C>T (p.Pro743Leu)

Gene: PKD1L1 (polycystin 1 like 1, transient receptor potential channel interacting; minus strand). Cytogenetic location: 7p12.3.
Variant type: single nucleotide variant.
Coding change: c.2228C>T on transcript NM_138295.5 (MANE Select); coding-DNA position 2228, C replaced by T.
Protein change: p.Pro743Leu; replaces proline 743 with leucine.
Molecular consequence: missense variant.
Genome position (GRCh38, 1-based): chr7:47,898,031, G>A on the plus strand (C>T on the coding strand, the complement: PKD1L1 is on the minus strand). VCF-style: chr7-47898031-G-A. GRCh37 (hg19) VCF-style: chr7-47937628-G-A.
Other names: short protein forms P743L.
Identifiers: ClinVar variation 4986318 (VCV004986318.1).
Genomic context (GRCh38, chr7:47,898,031, plus strand): 5'-TAAGTCAGCCAGCTGACCTTGGCAAGGGCAGTGTAGTTCCCATACTCCAAGGTGTGGCTC[G>A]GGAGGATGAGGGTCTGTCTGTGAGTGTCCACAGCAGCAGGGAGGGAGACAGGGAGCCCTT-3'
Protein context (NP_612152.1, residues 733-753): VDTHRQTLIL[Pro743Leu]SHTLEYGNYT